The following is an entry in ClinVar:

NM_006828.4(ASCC3):c.2862C>A (p.Val954=)

Gene: ASCC3 (activating signal cointegrator 1 complex subunit 3; minus strand). Cytogenetic location: 6q16.3.
Variant type: single nucleotide variant.
Coding change: c.2862C>A on transcript NM_006828.4 (MANE Select); coding-DNA position 2862, C replaced by A.
Protein change: p.Val954=; no amino-acid change (valine 954 retained).
Molecular consequence: synonymous variant.
Genome position (GRCh38, 1-based): chr6:100,652,851, G>T on the plus strand (C>A on the coding strand, the complement: ASCC3 is on the minus strand). VCF-style: chr6-100652851-G-T. GRCh37 (hg19) VCF-style: chr6-101100727-G-T.
Identifiers: ClinVar variation 4821276 (VCV004821276.4).

ClinVar aggregate classification (germline): Likely benign (1 of 4 stars; one submission).

gnomAD v4.1: 71 of 1,613,732 alleles (0.0044%); highest among the groups gnomAD compares: Non-Finnish European, 0.0058%; no homozygotes.

Submission:

CeGaT Center for Human Genetics Tuebingen
Classification: Likely benign. Last evaluated: 2026-05-01. Review status: criteria provided, single submitter. Criteria: CeGaT Center For Human Genetics Tuebingen Variant Classification Criteria Version 2. Collection method: clinical testing. Allele origin: germline. Affected: yes. Observed: 2 variant alleles.
Comment: ASCC3: BP4, BP7